The following is an entry in ClinVar:

NM_006218.4(PIK3CA):c.1040A>T (p.Asn347Ile)

Gene: PIK3CA (phosphatidylinositol-4,5-bisphosphate 3-kinase catalytic subunit alpha; plus strand). Cytogenetic location: 3q26.32.
Variant type: single nucleotide variant.
Coding change: c.1040A>T on transcript NM_006218.4 (MANE Select); coding-DNA position 1040, A replaced by T.
Protein change: p.Asn347Ile; replaces asparagine 347 with isoleucine.
Molecular consequence: missense variant.
Genome position (GRCh38, 1-based): chr3:179,203,770, A>T. VCF-style: chr3-179203770-A-T. GRCh37 (hg19) VCF-style: chr3-178921558-A-T.
Other names: short protein forms N347I.
Identifiers: ClinVar variation 3225321 (VCV003225321.1), dbSNP rs761766361, ClinGen allele CA2710619.
Genomic context (GRCh38, chr3:179,203,770, plus strand): 5'-TTTGGGTTATAAATAGTGCACTCAGAATAAAAATTCTTTGTGCAACCTACGTGAATGTAA[A>T]TATTCGAGACATTGATAAGGTAAAGTCAAATGCTGATGCTTATTATTTTATAGAAATTAT-3'
Protein context (NP_006209.2, residues 337-357): KILCATYVNV[Asn347Ile]IRDIDKIYVR

ClinVar aggregate classification (germline): Uncertain significance (1 of 4 stars; one submission).

Conditions:
Inborn genetic diseases. Identifiers: MedGen C0950123, MeSH D030342.

Allele frequency attached by ClinVar (database versions not stated): gnomAD exomes below 0.00001; TOPMed below 0.00001; ExAC 0.00001.
gnomAD v4.1: 1 of 1,608,346 alleles (0.000062%); highest among the groups gnomAD compares: African/African-American, 0.0013%; no homozygotes.

Submission:

Ambry Genetics
Classification: Uncertain significance for Inborn genetic diseases. Last evaluated: 2024-03-07. Review status: criteria provided, single submitter. Criteria: Ambry Variant Classification Scheme 2023. Collection method: clinical testing. Allele origin: germline.
Comment: The p.N347I variant (also known as c.1040A>T), located in coding exon 4 of the PIK3CA gene, results from an A to T substitution at nucleotide position 1040. The asparagine at codon 347 is replaced by isoleucine, an amino acid with dissimilar properties. This amino acid position is conserved. In addition, the in silico prediction for this alteration is inconclusive. Based on the available evidence, the clinical significance of this alteration remains unclear.